The following is an entry in ClinVar:

ClinVar aggregate classification (germline): Uncertain significance (1 of 4 stars; one submission).

Submission:

GeneDx
Classification: Uncertain significance. Last evaluated: 2024-11-12. Review status: criteria provided, single submitter. Criteria: GeneDx Variant Classification Process June 2021. Collection method: clinical testing. Allele origin: germline. Affected: yes.
Comment: Not observed at significant frequency in large population cohorts (gnomAD); In silico analysis supports that this missense variant has a deleterious effect on protein structure/function; Has not been previously published as pathogenic or benign to our knowledge

NM_018896.5(CACNA1G):c.4793C>T (p.Ser1598Phe)

Gene: CACNA1G (calcium voltage-gated channel subunit alpha1 G; plus strand). Cytogenetic location: 17q21.33.
Variant type: single nucleotide variant.
Coding change: c.4793C>T on transcript NM_018896.5 (MANE Select); coding-DNA position 4793, C replaced by T.
Protein change: p.Ser1598Phe; replaces serine 1598 with phenylalanine.
Molecular consequence: missense variant. On other transcripts: non-coding transcript variant (5).
Genome position (GRCh38, 1-based): chr17:50,615,394, C>T. VCF-style: chr17-50615394-C-T. GRCh37 (hg19) VCF-style: chr17-48692755-C-T.
Other names: c.4739C>T, p.Ser1580Phe (NM_001256324.2, NM_001256328.2, NM_198386.3); c.4814C>T, p.Ser1605Phe (NM_001256325.2); c.4658C>T, p.Ser1553Phe (NM_001256326.2, NM_001256330.2); c.4793C>T, p.Ser1598Phe (NM_001256327.2, NM_001256333.2, NM_198384.3 and 1 more transcripts); c.4691C>T, p.Ser1564Phe (NM_001256329.2, NM_198376.3, NM_198379.3 and 2 more transcripts); c.4637C>T, p.Ser1546Phe (NM_001256331.2); c.4622C>T, p.Ser1541Phe (NM_001256332.2); c.4760C>T, p.Ser1587Phe (NM_001256334.2, NM_198377.3, NM_198378.3 and 1 more transcripts); and 5 more; short protein forms S1541F, S1546F, S1553F, S1557F, S1560F, S1562F, S1564F, S1571F.
Identifiers: ClinVar variation 3898828 (VCV003898828.1).